The following is an entry in ClinVar:

NM_001148.6(ANK2):c.8728G>A (p.Val2910Met)

Gene: ANK2 (ankyrin 2; plus strand). Cytogenetic location: 4q26.
Variant type: single nucleotide variant.
Coding change: c.8728G>A on transcript NM_001148.6 (MANE Select); coding-DNA position 8728, G replaced by A.
Protein change: p.Val2910Met; replaces valine 2910 with methionine.
Molecular consequence: missense variant. On other transcripts: intron variant (68).
Genome position (GRCh38, 1-based): chr4:113,357,346, G>A. VCF-style: chr4-113357346-G-A. GRCh37 (hg19) VCF-style: chr4-114278502-G-A.
Other names: c.8494G>A, p.Val2832Met (NM_001386142.1); c.5128G>A, p.Val1710Met (NM_001386166.1); c.8869G>A, p.Val2957Met (NM_001386174.1); c.8845G>A, p.Val2949Met (NM_001386175.1); c.4412-3477G>A (NM_001386186.2, NM_001386148.2); c.4214-3477G>A (NM_001354269.3); c.4292-3477G>A (NM_001386187.2); c.4253-3477G>A (NM_001386147.1); and 35 more; short protein forms V2832M, V2910M, V2957M, V1710M, V2949M.
Identifiers: ClinVar variation 1046840 (VCV001046840.7), dbSNP rs748400535, ClinGen allele CA3051822.

ClinVar aggregate classification (germline): Conflicting classifications of pathogenicity. Review status: criteria provided, conflicting classifications (1 of 4 stars). 2 submissions from 2 submitters: Uncertain significance (1); Likely benign (1). Last evaluated 2025-09-14.

Conditions:
Long QT syndrome (LQTS). Identifiers: MedGen C0023976, MeSH D008133, MONDO:0002442. Disease mechanism: loss of function. Inheritance: Various modes of inheritance.
Cardiovascular phenotype. Identifiers: MedGen CN230736.

Allele frequency attached by ClinVar (database versions not stated): TOPMed below 0.00001.
gnomAD v4.1: 69 of 1,613,890 alleles (0.0043%); highest among the groups gnomAD compares: East Asian, 0.0067%; no homozygotes.

Submissions (2):

Labcorp Genetics (formerly Invitae), Labcorp
Classification: Uncertain significance for Long QT syndrome. Last evaluated: 2025-09-14. Review status: criteria provided, single submitter. Criteria: Invitae Variant Classification Sherloc (09022015). Collection method: clinical testing. Allele origin: germline.
Comment: This sequence change replaces valine, which is neutral and non-polar, with methionine, which is neutral and non-polar, at codon 2910 of the ANK2 protein (p.Val2910Met). This variant is present in population databases (rs748400535, gnomAD 0.006%). This variant has not been reported in the literature in individuals affected with ANK2-related conditions. ClinVar contains an entry for this variant (Variation ID: 1046840). An algorithm developed to predict the effect of missense changes on protein structure and function outputs the following: PolyPhen-2: "Benign". The methionine amino acid residue is found in multiple mammalian species, which suggests that this missense change does not adversely affect protein function. In summary, the available evidence is currently insufficient to determine the role of this variant in disease. Therefore, it has been classified as a Variant of Uncertain Significance.

Ambry Genetics
Classification: Likely benign for Cardiovascular phenotype. Last evaluated: 2024-01-23. Review status: criteria provided, single submitter. Criteria: Ambry Variant Classification Scheme 2023. Collection method: clinical testing. Allele origin: germline.

Literature cited by the submitters: PubMed 36413997 (cited by Ambry Genetics).